The following is an entry in ClinVar:

ClinVar aggregate classification (germline): Uncertain significance (1 of 4 stars; one submission).

Allele frequency attached by ClinVar (database versions not stated): gnomAD 0.00001; TOPMed 0.00001.
gnomAD v4.1: 10 of 1,613,180 alleles (0.00062%); highest among the groups gnomAD compares: Non-Finnish European, 0.00068%; no homozygotes.

Submission:

GeneDx
Classification: Uncertain significance. Last evaluated: 2022-11-07. Review status: criteria provided, single submitter. Criteria: GeneDx Variant Classification Process June 2021. Collection method: clinical testing. Allele origin: germline. Affected: yes.
Comment: Not observed at significant frequency in large population cohorts (gnomAD); In silico analysis supports that this missense variant has a deleterious effect on protein structure/function; Has not been previously published as pathogenic or benign to our knowledge

NM_001042545.2(LTBP4):c.2240G>C (p.Gly747Ala)

Gene: LTBP4 (latent transforming growth factor beta binding protein 4; plus strand). Cytogenetic location: 19q13.2.
Variant type: single nucleotide variant.
Coding change: c.2240G>C on transcript NM_001042545.2 (MANE Select); coding-DNA position 2240, G replaced by C.
Protein change: p.Gly747Ala; replaces glycine 747 with alanine.
Molecular consequence: missense variant.
Genome position (GRCh38, 1-based): chr19:40,612,133, G>C. VCF-style: chr19-40612133-G-C. GRCh37 (hg19) VCF-style: chr19-41118039-G-C.
Other names: c.2441G>C, p.Gly814Ala (NM_001042544.1); c.2330G>C, p.Gly777Ala (NM_003573.2); short protein forms G747A, G777A, G814A.
Identifiers: ClinVar variation 2501518 (VCV002501518.1), dbSNP rs753793657, ClinGen allele CA405938502.